The following continues an entry in ClinVar:

NM_025216.3(WNT10A):c.682T>A (p.Phe228Ile)

Gene: WNT10A. ClinVar aggregate classification (germline): Pathogenic/Likely pathogenic/Pathogenic, low penetrance. Pathogenic (30); Likely pathogenic (5); Pathogenic, low penetrance (2).

Submissions 34 to 44 of 44:

Breda Genetics srl
Classification: Pathogenic for Hypohidrotic ectodermal dysplasia. Last evaluated: 2016-08-29. Review status: criteria provided, single submitter. Criteria: ACMG Guidelines, 2015. Collection method: clinical testing. Allele origin: unknown. Inheritance: Autosomal dominant inheritance. Affected: yes. Observed: 1 variant allele, 1 heterozygote.
Comment: In the family, inheritance was compatible with a dominant pattern. This nonsynonymous variant is reported with an estimated allele frequency of 0.014 in gnomAD exomes, 0.01215 in gnomAD genomes, and 0.019 in NHLI Exome Sequencing Project (ESP). The nucleotide position is conserved across 35 mammalian species (GERP RS: 4.46). In silico analysis indicates that the variant might be damaging (MutationTaster: disease-causing; FATHMM-MKL: damaging; Provean: damaging; DANN: 0.992). The p.Phe228Ile mutation represents the most common allele identified in cases with isolated hypodontia (PMIDs: 22581971, 24449199, 24700731). Reduced penetrance and variable expressivity have been reported in carriers of the p.Phe228Ile mutation. Nearly half of heterozygotes may display mild multifocal symptoms, such as variable abnormalities of skin, hair, teeth or nails (PMIDs: 19559398, 21279306). For instance, van den Boogaard et al. (PMID: 22581971) reported a p.Phe228Ile heterozygote presenting with hypodontia, alopecia, hypohidrosis and mild nail dysplasia. Autosomal dominant inheritance of isolated hypodontia-microdontia in p.Phe228Ile heterozygotes has been described also by Kantaputra and Sripathomsawat (PMID: 21484994).

Clinical Genetics Service, Universitary Hospital 12 de Octubre
Classification: Likely pathogenic for Tooth agenesis, selective, 4. Review status: criteria provided, single submitter. Criteria: ACMG Guidelines, 2015. Collection method: clinical testing. Allele origin: germline. Affected: yes.

Institute of Human Genetics, University Hospital of Duesseldorf
Classification: Pathogenic for Odonto-onycho-dermal dysplasia. Review status: criteria provided, single submitter. Criteria: ACMG Guidelines, 2015. Collection method: not provided. Allele origin: germline. Inheritance: Autosomal recessive inheritance. Affected: yes.

Kariminejad - Najmabadi Pathology & Genetics Center
Classification: Pathogenic for Odonto-onycho-dermal dysplasia. Review status: criteria provided, single submitter. Criteria: ACMG Guidelines, 2015. Collection method: clinical testing. Allele origin: germline. Affected: no.

Molecular Genetics laboratory, Necker Hospital
Classification: Pathogenic. Last evaluated: 2021-04-15. Review status: no assertion criteria provided. Collection method: clinical testing. Allele origin: paternal. Affected: yes. Not counted in ClinVar's aggregate classification.

Yale Center for Mendelian Genomics, Yale University
Classification: Pathogenic for Tooth agenesis. Last evaluated: 2014-09-15. Review status: no assertion criteria provided. Collection method: literature only. Allele origin: germline. Affected: yes. Observed: 5 compound heterozygotes, 1 homozygote. Not counted in ClinVar's aggregate classification.

OMIM
Classification: Pathogenic for ODONTOONYCHODERMAL DYSPLASIA. Last evaluated: 2014-02-01. Review status: no assertion criteria provided. Collection method: literature only. Allele origin: germline. Not counted in ClinVar's aggregate classification.

OMIM
Classification: Pathogenic for TOOTH AGENESIS, SELECTIVE, 4, WITH OR WITHOUT ECTODERMAL DYSPLASIA. Last evaluated: 2014-02-01. Review status: no assertion criteria provided. Collection method: literature only. Allele origin: germline. Not counted in ClinVar's aggregate classification.

Clinical Genetics DNA and cytogenetics Diagnostics Lab, Erasmus MC, Erasmus Medical Center
Classification: Likely pathogenic. Review status: no assertion criteria provided. Collection method: clinical testing. Allele origin: germline. Affected: yes. Study: VKGL Data-share Consensus. Not counted in ClinVar's aggregate classification.

GeneReviews
No classification provided. Condition: Ectodermal dysplasia. Review status: no classification provided. Collection method: literature only. Allele origin: germline. Not counted in ClinVar's aggregate classification.

Genome-Nilou Lab
Classification: Uncertain significance for Odonto-onycho-dermal dysplasia. Last evaluated: 2021-06-10. Review status: flagged submission. Criteria: ACMG Guidelines, 2015. Collection method: clinical testing. Allele origin: germline. Affected: no. Not counted in ClinVar's aggregate classification.
ClinVar note: Reason: Outlier claim with insufficient supporting evidence

Literature cited by the submitters: PubMed 34228861 (cited by Victorian Clinical Genetics Services, Murdoch Childrens Research Institute); PubMed 19559398 (cited by 5 submitters); PubMed 28813618 (cited by Victorian Clinical Genetics Services, Murdoch Childrens Research Institute and Ambry Genetics); PubMed 30046887 (cited by Victorian Clinical Genetics Services, Murdoch Childrens Research Institute); PubMed 30426266 (cited by 3 submitters); PubMed 28976000 (cited by Labcorp Genetics (formerly Invitae), Labcorp and Ambry Genetics); PubMed 30974434 (cited by Labcorp Genetics (formerly Invitae), Labcorp); PubMed 29364747 (cited by 5 submitters); PubMed 24449199 (cited by 3 submitters); PubMed 22581971 (cited by 6 submitters); PubMed 23991204 (cited by Women's Health and Genetics/Laboratory Corporation of America, LabCorp); PubMed 33034246 (cited by Women's Health and Genetics/Laboratory Corporation of America, LabCorp); PubMed 23401279 (cited by 3 submitters); PubMed 24700731 (cited by Ambry Genetics and Laboratory for Molecular Medicine, Mass General Brigham Personalized Medicine); PubMed 26964878 (cited by Ambry Genetics); PubMed 27881089 (cited by Ambry Genetics); PubMed 29431110 (cited by Ambry Genetics); PubMed 23167694 (cited by Laboratory for Molecular Medicine, Mass General Brigham Personalized Medicine); PubMed 21484994 (cited by Laboratory for Molecular Medicine, Mass General Brigham Personalized Medicine and OMIM); PubMed 28105635 (cited by Johns Hopkins Genomics, Johns Hopkins University and Illumina Laboratory Services, Illumina); PubMed 35537890 (cited by Johns Hopkins Genomics, Johns Hopkins University); PubMed 25713620 (cited by Genetics and Molecular Pathology, SA Pathology); PubMed 25629078 (cited by Yale Center for Mendelian Genomics, Yale University); NCBI Bookshelf NBK1112 (cited by GeneReviews).